The following is an entry in ClinVar:

ClinVar aggregate classification (germline): Uncertain significance (1 of 4 stars; one submission).

Conditions:
Nephrotic syndrome, type 11 (NPHS11). Identifiers: Orphanet 656, MedGen C4225228, MONDO:0014752, OMIM 616730.

Submission:

Precision Medicine Center, Zhengzhou University
Classification: Uncertain significance for Nephrotic syndrome, type 11. Last evaluated: 2023-12-01. Review status: criteria provided, single submitter. Criteria: ACMG Guidelines, 2015. Collection method: clinical testing. Allele origin: maternal. Affected: no.
Comment: PM2_p,PP3

NM_020401.4(NUP107):c.727A>G (p.Thr243Ala)

Gene: NUP107 (nucleoporin 107; plus strand). Cytogenetic location: 12q15.
Variant type: single nucleotide variant.
Coding change: c.727A>G on transcript NM_020401.4 (MANE Select); coding-DNA position 727, A replaced by G.
Protein change: p.Thr243Ala; replaces threonine 243 with alanine.
Molecular consequence: missense variant.
Genome position (GRCh38, 1-based): chr12:68,702,782, A>G. VCF-style: chr12-68702782-A-G. GRCh37 (hg19) VCF-style: chr12-69096562-A-G.
Other names: c.640A>G, p.Thr214Ala (NM_001330192.2); short protein forms T214A, T243A.
Identifiers: ClinVar variation 2681772 (VCV002681772.2), dbSNP rs914207632.